The following is an entry in ClinVar:

ClinVar aggregate classification (germline): Likely pathogenic (1 of 4 stars; one submission).

Conditions:
Spinal muscular atrophy with congenital bone fractures 2 (SMABF2). Identifiers: MedGen C4225176, MONDO:0014807, OMIM 616867.

Submission:

Victorian Clinical Genetics Services, Murdoch Childrens Research Institute
Classification: Likely pathogenic for Spinal muscular atrophy with congenital bone fractures 2. Last evaluated: 2024-10-11. Review status: criteria provided, single submitter. Criteria: ACMG Guidelines, 2015. Collection method: clinical testing. Allele origin: germline. Inheritance: Autosomal recessive inheritance. Affected: yes.
Comment: Based on the classification scheme VCGS_Germline_v1.3.5, this variant is classified as Likely pathogenic. Following criteria are met: 0102 - Loss of function is a known mechanism of disease in this gene and is associated with spinal muscular atrophy with congenital bone fractures 2 (MIM#616867). (I) 0106 - This gene is associated with autosomal recessive disease. (I) 0211 - Canonical splice site variant without proven consequence on splicing (no functional evidence available). (SP) 0252 - This variant is homozygous. (I) 0301 - Variant is absent from gnomAD (v2, v3 and v4). (SP) 0311 - An alternative nucleotide change at the same canonical splice site, is present in gnomAD (v4; 45 heterozygotes, 0 homozygotes). (I) 0505 - Abnormal splicing is predicted by in silico tools and affected nucleotide is highly conserved. (SP) 0703 - Another splice site variant comparable to the one identified in this case has moderate previous evidence for pathogenicity. c.626+1G>A has been reported seven times as pathogenic or likely pathogenic (ClinVar) and has been reported as homozygous in individuals with spinal muscular atrophy with congenital bone fractures 2 (PMID: 35338657). (SP) 0807 - This variant has no previous evidence of pathogenicity. (I) 0905 - No published segregation evidence has been identified for this variant. (I) 1007 - No published functional evidence has been identified for this variant. (I) Legend: (SP) - Supporting pathogenic, (I) - Information, (SB) - Supporting benign

Literature cited by the submitters: PubMed 35338657.

NM_001198800.3(ASCC1):c.626+2T>A

Gene: ASCC1 (activating signal cointegrator 1 complex subunit 1; minus strand). Cytogenetic location: 10q22.1.
Variant type: single nucleotide variant.
Coding change: c.626+2T>A on transcript NM_001198800.3 (MANE Select); the canonical splice donor site of the intron after coding-DNA position 626, T replaced by A.
Molecular consequence: splice donor variant.
Genome position (GRCh38, 1-based): chr10:72,161,536, A>T on the plus strand (T>A on the coding strand, the complement: ASCC1 is on the minus strand). VCF-style: chr10-72161536-A-T. GRCh37 (hg19) VCF-style: chr10-73921294-A-T.
Other names: c.692+2T>A (NM_001369099.1, NM_001369086.1, NM_001369085.1); c.626+2T>A (NM_001369112.1, NM_001369108.1, NM_001369103.1 and 18 more transcripts); c.710+2T>A (NM_001198799.3); c.509+2T>A (NM_001369105.1, NM_001369102.1, NM_001369106.1 and 2 more transcripts).
Identifiers: ClinVar variation 3377184 (VCV003377184.1).